The following is an entry in ClinVar:

NM_018975.4(TERF2IP):c.806G>A (p.Ser269Asn)

Gene: TERF2IP (TERF2 interacting protein; plus strand). Cytogenetic location: 16q23.1.
Variant type: single nucleotide variant.
Coding change: c.806G>A on transcript NM_018975.4 (MANE Select); coding-DNA position 806, G replaced by A.
Protein change: p.Ser269Asn; replaces serine 269 with asparagine.
Molecular consequence: missense variant. On other transcripts: non-coding transcript variant (1).
Genome position (GRCh38, 1-based): chr16:75,656,217, G>A. VCF-style: chr16-75656217-G-A. GRCh37 (hg19) VCF-style: chr16-75690115-G-A.
Other names: short protein forms S269N.
Identifiers: ClinVar variation 1761869 (VCV001761869.2), dbSNP rs2082384256, ClinGen allele CA396819616.

ClinVar aggregate classification (germline): Uncertain significance (1 of 4 stars; one submission).

Allele frequency attached by ClinVar (database versions not stated): TOPMed below 0.00001.
gnomAD v4.1: 1 of 1,606,886 alleles (0.000062%); highest among the groups gnomAD compares: Non-Finnish European, 0.000085%; no homozygotes.

Submission:

Ambry Genetics
Classification: Uncertain significance. Last evaluated: 2024-02-02. Review status: criteria provided, single submitter. Criteria: Ambry Variant Classification Scheme 2023. Collection method: clinical testing. Allele origin: germline.
Comment: The p.S269N variant (also known as c.806G>A), located in coding exon 3 of the TERF2IP gene, results from a G to A substitution at nucleotide position 806. The serine at codon 269 is replaced by asparagine, an amino acid with highly similar properties. This amino acid position is conserved. In addition, this alteration is predicted to be tolerated by in silico analysis. Since supporting evidence is limited at this time, the clinical significance of this alteration remains unclear.